The following is an entry in ClinVar:

ClinVar aggregate classification (germline): Uncertain significance (1 of 4 stars; one submission).

Submission:

CeGaT Center for Human Genetics Tuebingen
Classification: Uncertain significance. Last evaluated: 2024-04-01. Review status: criteria provided, single submitter. Criteria: CeGaT Center For Human Genetics Tuebingen Variant Classification Criteria Version 2. Collection method: clinical testing. Allele origin: germline. Affected: yes. Observed: 1 variant allele.
Comment: WNK1: PM2, BP4

NM_213655.5(WNK1):c.2209C>T (p.Leu737Phe)

Gene: WNK1 (WNK lysine deficient protein kinase 1; plus strand). Cytogenetic location: 12p13.33.
Variant type: single nucleotide variant.
Coding change: c.2209C>T on transcript NM_213655.5 (MANE Plus Clinical); coding-DNA position 2209, C replaced by T.
Protein change: p.Leu737Phe; replaces leucine 737 with phenylalanine.
Molecular consequence: missense variant. On other transcripts: intron variant (3).
Genome position (GRCh38, 1-based): chr12:865,179, C>T. VCF-style: chr12-865179-C-T. GRCh37 (hg19) VCF-style: chr12-974345-C-T.
Other names: c.2140-2687C>T (NM_001184985.2); c.2139+2909C>T (NM_018979.4, NM_014823.3); short protein forms L737F.
Identifiers: ClinVar variation 3234541 (VCV003234541.20), dbSNP rs72649838, ClinGen allele CA231495484.
Genomic context (GRCh38, chr12:865,179, plus strand): 5'-GGCCGTAGCATGTCGGTTTGTGTTCCCATCTTTCTGCTGTTGCCTCTGTGTCCCGCATCT[C>T]TCCCAGTGCTCTTCCACCCCACCGCCAGTACTGTCTGCACCTCTTTCTCCTTCCCTCCTC-3'
Protein context (NP_998820.3, residues 727-747): FLLLPLCPAS[Leu737Phe]PVLFHPTAST